The following is an entry in ClinVar:

ClinVar aggregate classification (germline): Pathogenic. Review status: criteria provided, multiple submitters, no conflicts (2 of 4 stars). 2 submissions from 2 submitters: Pathogenic (2). Last evaluated 2021-03-22.

Conditions:
Hereditary cancer-predisposing syndrome. Also called: Neoplastic Syndromes, Hereditary; Hereditary Cancer Syndrome; Tumor predisposition; Hereditary neoplastic syndrome. Identifiers: Orphanet 140162, MedGen C0027672, MeSH D009386, MONDO:0015356.

Submissions (2):

Ambry Genetics
Classification: Pathogenic for Hereditary cancer-predisposing syndrome. Last evaluated: 2021-03-22. Review status: criteria provided, single submitter. Criteria: Ambry Variant Classification Scheme 2023. Collection method: clinical testing. Allele origin: germline.
Comment: The c.1391-2A>G intronic pathogenic mutation results from an A to G substitution two nucleotides upstream from coding exon 10 in the FH gene. This alteration occurs at the 3' terminus of the FH gene, is not expected to trigger nonsense-mediated mRNA decay, and only impacts the last exon of the protein. The exact functional effect of this alteration is unknown; however, the impacted region is critical for protein function (Ambry internal data). This nucleotide position is highly conserved in available vertebrate species. In silico splice site analysis predicts that this alteration will weaken the native splice acceptor site and may result in the creation or strengthening of a novel splice acceptor site. RNA studies have demonstrated that this alteration results in abnormal splicing in the set of samples tested (Ambry internal data). Based on the supporting evidence, this alteration is interpreted as a disease-causing mutation.

Labcorp Genetics (formerly Invitae), Labcorp
Classification: Pathogenic. Last evaluated: 2020-11-19. Review status: criteria provided, single submitter. Criteria: Invitae Variant Classification Sherloc (09022015). Collection method: clinical testing. Allele origin: germline.
Comment: For these reasons, this variant has been classified as Pathogenic. Nucleotide substitutions within the consensus splice site are a relatively common cause of aberrant splicing (PMID: 17576681, 9536098). Algorithms developed to predict the effect of sequence changes on RNA splicing suggest that this variant may disrupt the consensus splice site, but this prediction has not been confirmed by published transcriptional studies. Disruption of this splice site has been observed in several individuals with clinical features of hereditary leiomyomatosis and renal cell cancer (PMID: 28266706, 28300276, Invitae). ClinVar contains an entry for this variant (Variation ID: 945225). This variant is not present in population databases (ExAC no frequency). This sequence change affects an acceptor splice site in the last intron (intron 9) of the FH gene. While this is not anticipated to result in nonsense mediated decay, it likely alters RNA splicing and results in a disrupted protein product.

Literature cited by the submitters: PubMed 28266706 (cited by Ambry Genetics and Labcorp Genetics (formerly Invitae), Labcorp); PubMed 28300276 (cited by Ambry Genetics and Labcorp Genetics (formerly Invitae), Labcorp); PubMed 17576681 (cited by Labcorp Genetics (formerly Invitae), Labcorp); PubMed 9536098 (cited by Labcorp Genetics (formerly Invitae), Labcorp).

NM_000143.4(FH):c.1391-2A>G

Gene: FH (fumarate hydratase; minus strand). Cytogenetic location: 1q43.
Variant type: single nucleotide variant.
Coding change: c.1391-2A>G on transcript NM_000143.4 (MANE Select); the canonical splice acceptor site of the intron before coding-DNA position 1391, A replaced by G.
Molecular consequence: splice acceptor variant.
Genome position (GRCh38, 1-based): chr1:241,497,972, T>C on the plus strand (A>G on the coding strand, the complement: FH is on the minus strand). VCF-style: chr1-241497972-T-C. GRCh37 (hg19) VCF-style: chr1-241661272-T-C.
Identifiers: ClinVar variation 945225 (VCV000945225.15), dbSNP rs863224008, ClinGen allele CA345451217.